The following is an entry in ClinVar:

ClinVar aggregate classification (germline): Likely pathogenic (1 of 4 stars; one submission).

Conditions:
Primary ciliary dyskinesia 29. Also called: CILIARY DYSKINESIA, PRIMARY, 29, WITHOUT SITUS INVERSUS. Identifiers: Orphanet 244, MedGen C4014534, MONDO:0014378, OMIM 615872.

Submission:

Neuberg Centre For Genomic Medicine, NCGM
Classification: Likely pathogenic for Primary ciliary dyskinesia 29. Last evaluated: 2023-03-01. Review status: criteria provided, single submitter. Criteria: ACMG Guidelines, 2015. Collection method: clinical testing. Allele origin: germline. Inheritance: Autosomal dominant inheritance. Affected: yes.
Comment: The frameshift c.8124_8127delGAAAinsAGC (p.Lys2709AlafsTer15) variant in CENPF gene has not been reported previously as a pathogenic variant nor as a benign variant, to our knowledge. The p.Lys2709AlafsTer15 variant is novel (not in any individuals) in both gnomAD Exomes and 1000 Genomes databases. This variant has not been reported to the ClinVar database. This p.Lys2709del causes deletion of amino acid Lysine at position 2709 and also causes a frameshift starting with codon Histidine 2710, changes this amino acid to Alanine residue, and creates a premature Stop codon at position 15 of the new reading frame. Loss of function variants have been previously reported to be disease causing. Additional studies will be required to prove the pathogenicity of this variant. For these reasons, this variant has been classified as Likely Pathogenic.

NM_016343.4(CENPF):c.8124_8127delinsAGC (p.Lys2709fs)

Gene: CENPF (centromere protein F; plus strand). Cytogenetic location: 1q41.
Variant type: Indel.
Coding change: c.8124_8127delinsAGC on transcript NM_016343.4 (MANE Select); coding-DNA positions 8124 to 8127, GAAA replaced by AGC.
Protein change: p.Lys2709fs; shifts the reading frame from lysine 2709.
Molecular consequence: frameshift variant.
Genome position (GRCh38, 1-based): chr1:214,651,850-214,651,853, GAAA replaced by AGC. VCF-style: chr1-214651850-GAAA-AGC. GRCh37 (hg19) VCF-style: chr1-214825193-GAAA-AGC.
Other names: c.8124_8127delGAAAinsAGC (NM_016343.4); short protein forms K2709fs.
Identifiers: ClinVar variation 2664880 (VCV002664880.1), dbSNP rs2528434640, ClinGen allele CA2695200023.
Genomic context (GRCh38, chr1:214,651,850, plus strand): 5'-GGAAGGGAAAGTGAGAGAGGAAATAGCTGAATATCAGCTACGGCTTCATGAAGCTGAAAA[GAAA>AGC]CACCAGGCTTTGCTTTTGGACACAAACAAACAGGTGAAATGTGGGGTTTGGTTACTGGGG-3'